The following is an entry in ClinVar:

NM_139027.6(ADAMTS13):c.3400+94G>A

Gene: ADAMTS13 (ADAM metallopeptidase with thrombospondin type 1 motif 13; plus strand). Cytogenetic location: 9q34.2.
Variant type: single nucleotide variant.
Coding change: c.3400+94G>A on transcript NM_139027.6 (MANE Select); 94 bases into the intron after coding-DNA position 3400, G replaced by A.
Molecular consequence: intron variant. On other transcripts: missense variant (1).
Genome position (GRCh38, 1-based): chr9:133,455,529, G>A. VCF-style: chr9-133455529-G-A. GRCh37 (hg19) VCF-style: chr9-136320651-G-A.
Other names: c.3494G>A, p.Arg1165Gln (NM_139025.5); c.3307+94G>A (NM_139026.6); c.3494G>A (NM_139025.3); short protein forms R1165Q.
Identifiers: ClinVar variation 1049548 (VCV001049548.4), dbSNP rs139286990, ClinGen allele CA200944233.

ClinVar aggregate classification (germline): Likely benign. Review status: criteria provided, single submitter (1 of 4 stars). 2 submissions from 2 submitters: Likely benign (1). 1 of the submissions does not count toward it. Last evaluated 2021-11-01.

Conditions:
Inborn genetic diseases. Identifiers: MedGen C0950123, MeSH D030342.

Allele frequency attached by ClinVar (database versions not stated): gnomAD 0.00001; TOPMed 0.00001; gnomAD exomes 0.00002 and 0.00003; ExAC 0.00003; ESP Exome Variant Server 0.00008.
gnomAD v4.1: 34 of 1,610,872 alleles (0.0021%); highest among the groups gnomAD compares: Middle Eastern, 0.057%; no homozygotes.

Submissions (2):

Ambry Genetics
Classification: Likely benign for Inborn genetic diseases. Last evaluated: 2021-11-01. Review status: criteria provided, single submitter. Criteria: Ambry Variant Classification Scheme 2023. Collection method: clinical testing. Allele origin: germline.

Department of Pathology and Laboratory Medicine, Sinai Health System
Classification: Uncertain significance. Review status: no assertion criteria provided. Collection method: clinical testing. Allele origin: unknown. Affected: yes. Study: The Canadian Open Genetics Repository (COGR). Not counted in ClinVar's aggregate classification.
Comment: The ADAMTS13 p.Arg1165Gln variant was not identified in the literature nor was it identified in ClinVar or LOVD 3.0. The variant was identified in dbSNP (ID: rs139286990) and in control databases in 9 of 273066 chromosomes at a frequency of 0.00003296 (Genome Aggregation Database March 6, 2019, v2.1.1). The variant was observed in the following populations: South Asian in 6 of 30518 chromosomes (freq: 0.000197) and European (non-Finnish) in 3 of 122790 chromosomes (freq: 0.000024), but was not observed in the African, Latino, Ashkenazi Jewish, East Asian, European (Finnish), and Other populations. The p.Arg1165 residue is not conserved in mammals and computational analyses (PolyPhen-2, SIFT, AlignGVGD, BLOSUM, MutationTaster) do not suggest a high likelihood of impact to the protein; however, this information is not predictive enough to rule out pathogenicity. The variant occurs outside of the splicing consensus sequence and in silico or computational prediction software programs (SpliceSiteFinder, MaxEntScan, NNSPLICE, GeneSplicer) do not predict a difference in splicing. In summary, based on the above information the clinical significance of this variant cannot be determined with certainty at this time. This variant is classified as a variant of uncertain significance.